The following is an entry in ClinVar:

ClinVar aggregate classification (germline): Pathogenic (1 of 4 stars; one submission).

Conditions:
DICER1-related tumor predisposition. Also called: DICER1-related pleuropulmonary blastoma cancer predisposition syndrome; DICER1 syndrome. Identifiers: Orphanet 284343, MedGen C3839822, MONDO:0100216.

Submission:

Labcorp Genetics (formerly Invitae), Labcorp
Classification: Pathogenic for DICER1-related tumor predisposition. Last evaluated: 2023-09-01. Review status: criteria provided, single submitter. Criteria: Invitae Variant Classification Sherloc (09022015). Collection method: clinical testing. Allele origin: germline.
Comment: This sequence change creates a premature translational stop signal (p.Glu583*) in the DICER1 gene. It is expected to result in an absent or disrupted protein product. Loss-of-function variants in DICER1 are known to be pathogenic (PMID: 19556464, 21266384). This variant is not present in population databases (gnomAD no frequency). For these reasons, this variant has been classified as Pathogenic. This variant has not been reported in the literature in individuals affected with DICER1-related conditions.

Literature cited by the submitters: PubMed 19556464; PubMed 21266384.

NM_177438.3(DICER1):c.1747G>T (p.Glu583Ter)

Gene: DICER1 (dicer 1, ribonuclease III; minus strand). Cytogenetic location: 14q32.13.
Variant type: single nucleotide variant.
Coding change: c.1747G>T on transcript NM_177438.3 (MANE Select); coding-DNA position 1747, G replaced by T.
Protein change: p.Glu583Ter; replaces glutamic acid 583 with a stop codon.
Molecular consequence: nonsense. On other transcripts: non-coding transcript variant (6).
Genome position (GRCh38, 1-based): chr14:95,116,458, C>A on the plus strand (G>T on the coding strand, the complement: DICER1 is on the minus strand). VCF-style: chr14-95116458-C-A. GRCh37 (hg19) VCF-style: chr14-95582795-C-A.
Other names: c.1747G>T, p.Glu583Ter (NM_001195573.1, NM_030621.4, NM_001271282.3 and 13 more transcripts); c.1342G>T, p.Glu448Ter (NM_001395698.1, NM_001395687.1, NM_001395688.1 and 3 more transcripts); c.1465G>T, p.Glu489Ter (NM_001395686.1); c.1180G>T, p.Glu394Ter (NM_001395691.1); c.64G>T, p.Glu22Ter (NM_001395697.1); short protein forms E489*, E394*, E583*, E22*, E448*.
Identifiers: ClinVar variation 2795247 (VCV002795247.3), dbSNP rs2140122670, ClinGen allele CA390884654.